The following is an entry in ClinVar:

ClinVar aggregate classification (germline): Uncertain significance (1 of 4 stars; one submission).

Conditions:
VPS13B-related disorder. Also called: VPS13B-related condition.

gnomAD v4.1: 10 of 1,613,346 alleles (0.00062%); highest among the groups gnomAD compares: Non-Finnish European, 0.00076%; no homozygotes.

Submission:

PreventionGenetics, part of Exact Sciences
Classification: Uncertain significance for VPS13B-related condition. Last evaluated: 2025-10-08. Review status: criteria provided, single submitter. Criteria: ACMG Guidelines, 2015. Collection method: clinical testing. Allele origin: germline.
Comment: The VPS13B c.2368A>G variant is predicted to result in the amino acid substitution p.Ile790Val. To our knowledge, this variant has not been reported in the literature. This variant is reported in 0.00088% of alleles in individuals of European (non-Finnish) descent in gnomAD. At this time, the clinical significance of this variant is uncertain due to the absence of conclusive functional and genetic evidence.

NM_152564.5(VPS13B):c.2368A>G (p.Ile790Val)

Gene: VPS13B (vacuolar protein sorting 13 homolog B; plus strand). Cytogenetic location: 8q22.2.
Variant type: single nucleotide variant.
Coding change: c.2368A>G on transcript NM_152564.5 (MANE Select); coding-DNA position 2368, A replaced by G.
Protein change: p.Ile790Val; replaces isoleucine 790 with valine.
Molecular consequence: missense variant.
Genome position (GRCh38, 1-based): chr8:99,192,910, A>G. VCF-style: chr8-99192910-A-G. GRCh37 (hg19) VCF-style: chr8-100205138-A-G.
Other names: c.2368A>G, p.Ile790Val (NM_015243.3, NM_017890.5); short protein forms I790V.
Identifiers: ClinVar variation 3355321 (VCV003355321.2).
Genomic context (GRCh38, chr8:99,192,910, plus strand): 5'-GCGATTCTTTCTGTTTTCTTGTGCAGGACCAAAAGATCTCAGATTGCTATAACTGAAGGT[A>G]TATTTGAACTTCCAAATCTCACAATTCAAGCTACAAGAGCACAGACACTTCTCTTGCAAG-3'
Protein context (NP_689777.3, residues 780-800): KRSQIAITEG[Ile790Val]FELPNLTIQA